The following is an entry in ClinVar:

ClinVar aggregate classification (germline): Uncertain significance (1 of 4 stars; one submission).

Conditions:
Autosomal recessive polycystic kidney disease (ARPKD). Also called: AR polycystic kidney disease. Identifiers: Orphanet 731, Orphanet 8378, MedGen C0085548, MeSH D017044, MONDO:0009889.

gnomAD v4.1: 3 of 1,613,222 alleles (0.00019%); highest among the groups gnomAD compares: Non-Finnish European, 0.00025%; no homozygotes.

Submission:

Labcorp Genetics (formerly Invitae), Labcorp
Classification: Uncertain significance for Autosomal recessive polycystic kidney disease. Last evaluated: 2024-11-11. Review status: criteria provided, single submitter. Criteria: Invitae Variant Classification Sherloc (09022015). Collection method: clinical testing. Allele origin: germline.
Comment: This sequence change replaces aspartic acid, which is acidic and polar, with valine, which is neutral and non-polar, at codon 3751 of the PKHD1 protein (p.Asp3751Val). This variant is not present in population databases (gnomAD no frequency). This variant has not been reported in the literature in individuals affected with PKHD1-related conditions. ClinVar contains an entry for this variant (Variation ID: 2891508). Invitae Evidence Modeling of protein sequence and biophysical properties (such as structural, functional, and spatial information, amino acid conservation, physicochemical variation, residue mobility, and thermodynamic stability) has been performed for this missense variant. However, the output from this modeling did not meet the statistical confidence thresholds required to predict the impact of this variant on PKHD1 protein function. In summary, the available evidence is currently insufficient to determine the role of this variant in disease. Therefore, it has been classified as a Variant of Uncertain Significance.

NM_138694.4(PKHD1):c.11252A>T (p.Asp3751Val)

Gene: PKHD1 (PKHD1 ciliary IPT domain containing fibrocystin/polyductin; minus strand). Cytogenetic location: 6p12.3.
Variant type: single nucleotide variant.
Coding change: c.11252A>T on transcript NM_138694.4 (MANE Select); coding-DNA position 11252, A replaced by T.
Protein change: p.Asp3751Val; replaces aspartic acid 3751 with valine.
Molecular consequence: missense variant.
Genome position (GRCh38, 1-based): chr6:51,649,143, T>A on the plus strand (A>T on the coding strand, the complement: PKHD1 is on the minus strand). VCF-style: chr6-51649143-T-A. GRCh37 (hg19) VCF-style: chr6-51513941-T-A.
Other names: short protein forms D3751V.
Identifiers: ClinVar variation 2891508 (VCV002891508.3), dbSNP rs979295600, ClinGen allele CA364426108.